The following is an entry in ClinVar:

NM_018100.4(EFHC1):c.40G>A (p.Gly14Ser)

Gene: EFHC1 (EF-hand domain containing 1; plus strand). Cytogenetic location: 6p12.2.
Variant type: single nucleotide variant.
Coding change: c.40G>A on transcript NM_018100.4 (MANE Select); coding-DNA position 40, G replaced by A.
Protein change: p.Gly14Ser; replaces glycine 14 with serine.
Molecular consequence: missense variant. On other transcripts: non-coding transcript variant (1).
Genome position (GRCh38, 1-based): chr6:52,420,450, G>A. VCF-style: chr6-52420450-G-A. GRCh37 (hg19) VCF-style: chr6-52285248-G-A.
Other names: short protein forms G14S.
Identifiers: ClinVar variation 465667 (VCV000465667.10), dbSNP rs1554257650, ClinGen allele CA364456280.

ClinVar aggregate classification (germline): Uncertain significance (1 of 4 stars; one submission).

Conditions:
Absence seizure. Also called: Absence epilepsy. Identifiers: Orphanet 1941, MedGen C0014553.
Myoclonic epilepsy, juvenile, susceptibility to, 1. Also called: Myoclonic Epilepsy, Juvenile, 1; EJM1. Identifiers: MedGen C1850778, MONDO:0020752, OMIM 254770.

Submission:

Labcorp Genetics (formerly Invitae), Labcorp
Classification: Uncertain significance for Myoclonic epilepsy, juvenile, susceptibility to, 1; Absence seizure. Last evaluated: 2024-12-16. Review status: criteria provided, single submitter. Criteria: Invitae Variant Classification Sherloc (09022015). Collection method: clinical testing. Allele origin: germline.
Comment: This sequence change replaces glycine, which is neutral and non-polar, with serine, which is neutral and polar, at codon 14 of the EFHC1 protein (p.Gly14Ser). This variant is not present in population databases (gnomAD no frequency). This variant has not been reported in the literature in individuals affected with EFHC1-related conditions. ClinVar contains an entry for this variant (Variation ID: 465667). Invitae Evidence Modeling of protein sequence and biophysical properties (such as structural, functional, and spatial information, amino acid conservation, physicochemical variation, residue mobility, and thermodynamic stability) indicates that this missense variant is expected to disrupt EFHC1 protein function with a positive predictive value of 80%. In summary, the available evidence is currently insufficient to determine the role of this variant in disease. Therefore, it has been classified as a Variant of Uncertain Significance.